The following is an entry in ClinVar:

NM_001365951.3(KIF1B):c.2757C>T (p.Asp919=)

Genes: KIF1B (kinesin family member 1B; plus strand), LOC126805614 (BRD4-independent group 4 enhancer GRCh37_chr1:10385546-10386745; plus strand). Cytogenetic location: 1p36.22.
Variant type: single nucleotide variant.
Coding change: c.2757C>T on transcript NM_001365951.3 (MANE Select); coding-DNA position 2757, C replaced by T.
Protein change: p.Asp919=; no amino-acid change (aspartic acid 919 retained).
Molecular consequence: synonymous variant.
Genome position (GRCh38, 1-based): chr1:10,326,192, C>T. VCF-style: chr1-10326192-C-T. GRCh37 (hg19) VCF-style: chr1-10386250-C-T.
Other names: c.2757C>T, p.Asp919= (NM_001365952.1); c.2619C>T, p.Asp873= (NM_015074.3).
Identifiers: ClinVar variation 696859 (VCV000696859.22), dbSNP rs78013543, ClinGen allele CA581604.
Genomic context (GRCh38, chr1:10,326,192, plus strand): 5'-TGTGAACGAGCGCCTTGCCGACCGCACACCCTCCCCCACTTTTTCCACGGCCGATTCCGA[C>T]ATCACTGAGCTGGCTGACGAGCAGCAAGATGAGATGGAGGATTTTGATGATGAGGCATTC-3'
Protein context (NP_001352880.1, residues 909-929): PSPTFSTADS[Asp919=]ITELADEQQD

ClinVar aggregate classification (germline): Benign/Likely benign. Review status: criteria provided, multiple submitters, no conflicts (2 of 4 stars). 5 submissions from 5 submitters: Benign (1); Likely benign (3). 1 of the submissions does not count toward it. Last evaluated 2025-10-01.

Conditions:
Charcot-Marie-Tooth disease type 2. Also called: Charcot-Marie-Tooth type 2. Identifiers: Orphanet 64746, MedGen C0270914, MONDO:0018993.
KIF1B-related disorder. Also called: KIF1B-related condition.

Allele frequency attached by ClinVar (database versions not stated): gnomAD exomes 0.00009 and 0.00023; ExAC 0.00027; 1000 Genomes Project 30x 0.00047; 1000 Genomes Project 0.00060; gnomAD 0.00072 and 0.00080; TOPMed 0.00078; ESP Exome Variant Server 0.00115.
gnomAD v4.1: 239 of 1,614,172 alleles (0.015%); highest among the groups gnomAD compares: African/African-American, 0.29%; no homozygotes.

Submissions (5):

Labcorp Genetics (formerly Invitae), Labcorp
Classification: Benign for Charcot-Marie-Tooth disease type 2. Last evaluated: 2025-10-01. Review status: criteria provided, single submitter. Criteria: Invitae Variant Classification Sherloc (09022015). Collection method: clinical testing. Allele origin: germline.

CeGaT Center for Human Genetics Tuebingen
Classification: Likely benign. Last evaluated: 2025-02-01. Review status: criteria provided, single submitter. Criteria: CeGaT Center For Human Genetics Tuebingen Variant Classification Criteria Version 2. Collection method: clinical testing. Allele origin: germline. Affected: yes. Observed: 1 variant allele.
Comment: KIF1B: BP4, BS1

Blueprint Genetics
Classification: Likely benign. Last evaluated: 2023-09-06. Review status: criteria provided, single submitter. Criteria: ACMG Guidelines, 2015. Collection method: clinical testing. Allele origin: germline.

Ambry Genetics
Classification: Likely benign. Last evaluated: 2020-10-05. Review status: criteria provided, single submitter. Criteria: Ambry Variant Classification Scheme 2023. Collection method: clinical testing. Allele origin: germline.

PreventionGenetics, part of Exact Sciences
Classification: Likely benign for KIF1B-related condition. Last evaluated: 2020-07-20. Review status: no assertion criteria provided. Collection method: clinical testing. Allele origin: germline. Not counted in ClinVar's aggregate classification.
Comment: This variant is classified as likely benign based on ACMG/AMP sequence variant interpretation guidelines (Richards et al. 2015 PMID: 25741868, with internal and published modifications).